The following is an entry in ClinVar:

ClinVar aggregate classification (germline): Uncertain significance (1 of 4 stars; one submission).

Conditions:
Bethlem myopathy 1A. Also called: MYOPATHY, BENIGN CONGENITAL, WITH CONTRACTURES; Bethlem myopathy 1; Bethlem Muscular Dystrophy. Identifiers: Orphanet 610, MedGen CN029274, MONDO:0024530, OMIM 158810.

Allele frequency attached by ClinVar (database versions not stated): gnomAD exomes below 0.00001.
gnomAD v4.1: 1 of 1,607,904 alleles (0.000062%); highest among the groups gnomAD compares: Non-Finnish European, 0.000085%; no homozygotes.

Submission:

Labcorp Genetics (formerly Invitae), Labcorp
Classification: Uncertain significance for Bethlem myopathy 1A. Last evaluated: 2022-04-25. Review status: criteria provided, single submitter. Criteria: Invitae Variant Classification Sherloc (09022015). Collection method: clinical testing. Allele origin: germline.
Comment: This sequence change falls in intron 9 of the COL6A3 gene. It does not directly change the encoded amino acid sequence of the COL6A3 protein. This variant is present in population databases (no rsID available, gnomAD 0.0009%). This variant has not been reported in the literature in individuals affected with COL6A3-related conditions. Algorithms developed to predict the effect of sequence changes on RNA splicing suggest that this variant may disrupt the consensus splice site. In summary, the available evidence is currently insufficient to determine the role of this variant in disease. Therefore, it has been classified as a Variant of Uncertain Significance.

NM_004369.4(COL6A3):c.4286-7T>G

Gene: COL6A3 (collagen type VI alpha 3 chain; minus strand). Cytogenetic location: 2q37.3.
Variant type: single nucleotide variant.
Coding change: c.4286-7T>G on transcript NM_004369.4 (MANE Select); 7 bases into the intron before coding-DNA position 4286, T replaced by G.
Molecular consequence: intron variant.
Genome position (GRCh38, 1-based): chr2:237,369,184, A>C on the plus strand (T>G on the coding strand, the complement: COL6A3 is on the minus strand). VCF-style: chr2-237369184-A-C. GRCh37 (hg19) VCF-style: chr2-238277827-A-C.
Other names: c.2465-7T>G (NM_057166.5); c.3668-7T>G (NM_057167.4).
Identifiers: ClinVar variation 2119979 (VCV002119979.4), dbSNP rs1438910811, ClinGen allele CA540749844.